The following is an entry in ClinVar:

ClinVar aggregate classification (germline): Uncertain significance (1 of 4 stars; one submission).

gnomAD v4.1: 19 of 1,589,264 alleles (0.0012%); highest among the groups gnomAD compares: Non-Finnish European, 0.0015%; no homozygotes.

Submission:

Labcorp Genetics (formerly Invitae), Labcorp
Classification: Uncertain significance. Last evaluated: 2025-11-25. Review status: criteria provided, single submitter. Criteria: Invitae Variant Classification Sherloc (09022015). Collection method: clinical testing. Allele origin: germline.
Comment: This sequence change replaces glutamic acid, which is acidic and polar, with lysine, which is basic and polar, at codon 1266 of the BRD4 protein (p.Glu1266Lys). This variant is present in population databases (rs199833114, gnomAD 0.004%). This variant has not been reported in the literature in individuals affected with BRD4-related conditions. An algorithm developed to predict the effect of missense changes on protein structure and function (PolyPhen-2) suggests that this variant is likely to be tolerated. In summary, the available evidence is currently insufficient to determine the role of this variant in disease. Therefore, it has been classified as a Variant of Uncertain Significance.

NM_001379291.1(BRD4):c.3796G>A (p.Glu1266Lys)

Gene: BRD4 (bromodomain containing 4; minus strand). Cytogenetic location: 19p13.12.
Variant type: single nucleotide variant.
Coding change: c.3796G>A on transcript NM_001379291.1 (MANE Select); coding-DNA position 3796, G replaced by A.
Protein change: p.Glu1266Lys; replaces glutamic acid 1266 with lysine.
Molecular consequence: missense variant.
Genome position (GRCh38, 1-based): chr19:15,238,967, C>T on the plus strand (G>A on the coding strand, the complement: BRD4 is on the minus strand). VCF-style: chr19-15238967-C-T. GRCh37 (hg19) VCF-style: chr19-15349778-C-T.
Other names: c.3796G>A, p.Glu1266Lys (NM_058243.3); short protein forms E1266K.
Identifiers: ClinVar variation 4763803 (VCV004763803.1).